The following is an entry in ClinVar:

NM_002661.5(PLCG2):c.2694G>T (p.Glu898Asp)

Gene: PLCG2 (phospholipase C gamma 2; plus strand). Cytogenetic location: 16q23.3.
Variant type: single nucleotide variant.
Coding change: c.2694G>T on transcript NM_002661.5 (MANE Select); coding-DNA position 2694, G replaced by T.
Protein change: p.Glu898Asp; replaces glutamic acid 898 with aspartic acid.
Molecular consequence: missense variant.
Genome position (GRCh38, 1-based): chr16:81,931,609, G>T. VCF-style: chr16-81931609-G-T. GRCh37 (hg19) VCF-style: chr16-81965214-G-T.
Other names: short protein forms E898D.
Identifiers: ClinVar variation 2664918 (VCV002664918.1), dbSNP rs2507737575, ClinGen allele CA396903734.

ClinVar aggregate classification (germline): Uncertain significance (1 of 4 stars; one submission).

Conditions:
Autoinflammation-PLCG2-associated antibody deficiency-immune dysregulation. Also called: Autoinflammation, antibody deficiency, and immune dysregulation, plcg2-associated; AUTOINFLAMMATION, ANTIBODY DEFICIENCY, AND IMMUNE DYSREGULATION; Autoinflammation, antibody deficiency, and immune dysregulation syndrome. Identifiers: Orphanet 324530, MedGen C3553961, MONDO:0013944, OMIM 614878.

Submission:

Neuberg Centre For Genomic Medicine, NCGM
Classification: Uncertain significance for Autoinflammation-PLCG2-associated antibody deficiency-immune dysregulation. Last evaluated: 2023-02-14. Review status: criteria provided, single submitter. Criteria: ACMG Guidelines, 2015. Collection method: clinical testing. Allele origin: germline. Inheritance: Autosomal dominant inheritance. Affected: yes.
Comment: The missense c.2694G>T (p.Glu898Asp) variant in PLCG2 gene has not been reported previously as a pathogenic variant nor as a benign variant, to our knowledge. The p.Glu898Asp variant is novel (not in any individuals) in gnomAD Exomes and 1000 Genomes. This variant has not been reported to the ClinVar database. The amino acid change p.Glu898Asp in PLCG2 is predicted as conserved by GERP++ and PhyloP across 100 vertebrates. The amino acid Glu at position 898 is changed to a Asp changing protein sequence and it might alter its composition and physico-chemical properties. For these reasons, this variant has been classified as a Variant of Uncertain Significance (VUS).